The following is an entry in ClinVar:

ClinVar aggregate classification (germline): Uncertain significance (1 of 4 stars; one submission).

Conditions:
Dilated cardiomyopathy 1O (CMD1O). Also called: CARDIOMYOPATHY, DILATED, WITH VENTRICULAR TACHYCARDIA. Identifiers: Orphanet 154, MedGen C1837839, MONDO:0012062, OMIM 608569.

Submission:

Labcorp Genetics (formerly Invitae), Labcorp
Classification: Uncertain significance for Dilated cardiomyopathy 1O. Last evaluated: 2023-12-03. Review status: criteria provided, single submitter. Criteria: Invitae Variant Classification Sherloc (09022015). Collection method: clinical testing. Allele origin: germline.
Comment: This sequence change replaces valine, which is neutral and non-polar, with phenylalanine, which is neutral and non-polar, at codon 1274 of the ABCC9 protein (p.Val1274Phe). This variant is not present in population databases (gnomAD no frequency). This variant has not been reported in the literature in individuals affected with ABCC9-related conditions. Advanced modeling of protein sequence and biophysical properties (such as structural, functional, and spatial information, amino acid conservation, physicochemical variation, residue mobility, and thermodynamic stability) performed at Invitae indicates that this missense variant is expected to disrupt ABCC9 protein function with a positive predictive value of 80%. In summary, the available evidence is currently insufficient to determine the role of this variant in disease. Therefore, it has been classified as a Variant of Uncertain Significance.

NM_020297.4(ABCC9):c.3820G>T (p.Val1274Phe)

Genes: KCNJ8-AS1 (KCNJ8 antisense RNA 1; plus strand), ABCC9 (ATP binding cassette subfamily C member 9; minus strand). Cytogenetic location: 12p12.1.
Variant type: single nucleotide variant.
Coding change: c.3820G>T on transcript NM_020297.4 (MANE Select); coding-DNA position 3820, G replaced by T.
Protein change: p.Val1274Phe; replaces valine 1274 with phenylalanine.
Molecular consequence: missense variant.
Genome position (GRCh38, 1-based): chr12:21,817,259, C>A on the plus strand (G>T on the coding strand, the complement: ABCC9 is on the minus strand). VCF-style: chr12-21817259-C-A. GRCh37 (hg19) VCF-style: chr12-21970193-C-A.
Other names: c.3820G>T, p.Val1274Phe (NM_001377273.1, NM_005691.4); c.2953G>T, p.Val985Phe (NM_001377274.1); short protein forms V985F, V1274F.
Identifiers: ClinVar variation 2841809 (VCV002841809.3), dbSNP rs2137187633, ClinGen allele CA384136546.